The following is an entry in ClinVar:

NM_001077653.2(TBX20):c.266C>T (p.Thr89Ile)

Gene: TBX20 (T-box transcription factor 20; minus strand). Cytogenetic location: 7p14.2.
Variant type: single nucleotide variant.
Coding change: c.266C>T on transcript NM_001077653.2 (MANE Select); coding-DNA position 266, C replaced by T.
Protein change: p.Thr89Ile; replaces threonine 89 with isoleucine.
Molecular consequence: missense variant.
Genome position (GRCh38, 1-based): chr7:35,250,065, G>A on the plus strand (C>T on the coding strand, the complement: TBX20 is on the minus strand). VCF-style: chr7-35250065-G-A. GRCh37 (hg19) VCF-style: chr7-35289677-G-A.
Other names: c.266C>T, p.Thr89Ile (NM_001166220.1); short protein forms T89I.
Identifiers: ClinVar variation 3804908 (VCV003804908.2).
Genomic context (GRCh38, chr7:35,250,065, plus strand): 5'-AGCTCCTTGGTCTCCAGGCTGCAGGCAATTTTGGCCATTTCCTCACTGGGGATGATGGGG[G>A]TGGTGGGGATCAGTGGCTCAGTGCACAGAGAGGAGGAGGACGGGCTGCTGCCACTGCCTC-3'
Protein context (NP_001071121.1, residues 79-99): SLCTEPLIPT[Thr89Ile]PIIPSEEMAK

ClinVar aggregate classification (germline): Uncertain significance. Review status: criteria provided, multiple submitters, no conflicts (2 of 4 stars). 2 submissions from 2 submitters: Uncertain significance (2). Last evaluated 2025-04-22.

Conditions:
Cardiovascular phenotype. Identifiers: MedGen CN230736.

gnomAD v4.1: 2 of 1,614,040 alleles (0.00012%); highest among the groups gnomAD compares: South Asian, 0.0011%; no homozygotes.

Submissions (2):

Labcorp Genetics (formerly Invitae), Labcorp
Classification: Uncertain significance. Last evaluated: 2025-04-22. Review status: criteria provided, single submitter. Criteria: Invitae Variant Classification Sherloc (09022015). Collection method: clinical testing. Allele origin: germline.
Comment: This sequence change replaces threonine, which is neutral and polar, with isoleucine, which is neutral and non-polar, at codon 89 of the TBX20 protein (p.Thr89Ile). The frequency data for this variant in the population databases is considered unreliable, as metrics indicate poor data quality at this position in the gnomAD database. This variant has not been reported in the literature in individuals affected with TBX20-related conditions. Invitae Evidence Modeling of protein sequence and biophysical properties (such as structural, functional, and spatial information, amino acid conservation, physicochemical variation, residue mobility, and thermodynamic stability) indicates that this missense variant is not expected to disrupt TBX20 protein function with a negative predictive value of 80%. In summary, the available evidence is currently insufficient to determine the role of this variant in disease. Therefore, it has been classified as a Variant of Uncertain Significance.

Ambry Genetics
Classification: Uncertain significance for Cardiovascular phenotype. Last evaluated: 2025-03-09. Review status: criteria provided, single submitter. Criteria: Ambry Variant Classification Scheme 2023. Collection method: clinical testing. Allele origin: germline.
Comment: The p.T89I variant (also known as c.266C>T), located in coding exon 2 of the TBX20 gene, results from a C to T substitution at nucleotide position 266. The threonine at codon 89 is replaced by isoleucine, an amino acid with similar properties. This amino acid position is conserved. In addition, the in silico prediction for this alteration is inconclusive. Based on the available evidence, the clinical significance of this variant remains unclear.